The following is an entry in ClinVar:

NM_015631.6(TCTN3):c.1203+5C>T

Gene: TCTN3 (tectonic family member 3; minus strand). Cytogenetic location: 10q24.1.
Variant type: single nucleotide variant.
Coding change: c.1203+5C>T on transcript NM_015631.6 (MANE Select); 5 bases into the intron after coding-DNA position 1203, C replaced by T.
Molecular consequence: intron variant.
Genome position (GRCh38, 1-based): chr10:95,683,517, G>A on the plus strand (C>T on the coding strand, the complement: TCTN3 is on the minus strand). VCF-style: chr10-95683517-G-A. GRCh37 (hg19) VCF-style: chr10-97443274-G-A.
Other names: c.759+5C>T (NM_001143973.2).
Identifiers: ClinVar variation 1395628 (VCV001395628.6), dbSNP rs2139739478, ClinGen allele CA377704386.
Genomic context (GRCh38, chr10:95,683,517, plus strand): 5'-GTTTGAAAGCCTTTGCAGCTTTTCTCATTAGGCTGCAACAGGCCACCCAGCTCTAAAAAG[G>A]ATACTGAGTAACTTATATCATCAGTCAGAGCCAAGAGTGGCTTCCCAACTATATAGCCAG-3'

ClinVar aggregate classification (germline): Uncertain significance (1 of 4 stars; one submission).

Conditions:
Joubert syndrome 18 (JBTS18). Identifiers: Orphanet 2754, MedGen C3553758, MONDO:0013896, OMIM 614815.
Orofacial-digital syndrome IV (OFD4). Also called: BARAITSER-BURN SYNDROME; MOHR-MAJEWSKI SYNDROME; OFD SYNDROME WITH TIBIAL DEFECTS; OFD SYNDROME, BARAITSER-BURN TYPE; OFDS IV; ORAL-FACIAL-DIGITAL SYNDROME, TYPE IV. Identifiers: Orphanet 2753, MedGen C0406727, MONDO:0009794, OMIM 258860.

Submission:

Labcorp Genetics (formerly Invitae), Labcorp
Classification: Uncertain significance for Joubert syndrome 18; Orofacial-digital syndrome IV. Last evaluated: 2022-09-13. Review status: criteria provided, single submitter. Criteria: Invitae Variant Classification Sherloc (09022015). Collection method: clinical testing. Allele origin: germline.
Comment: This sequence change falls in intron 10 of the TCTN3 gene. It does not directly change the encoded amino acid sequence of the TCTN3 protein. It affects a nucleotide within the consensus splice site. This variant is not present in population databases (gnomAD no frequency). This variant has not been reported in the literature in individuals affected with TCTN3-related conditions. ClinVar contains an entry for this variant (Variation ID: 1395628). Variants that disrupt the consensus splice site are a relatively common cause of aberrant splicing (PMID: 17576681, 9536098). Algorithms developed to predict the effect of sequence changes on RNA splicing suggest that this variant is not likely to affect RNA splicing. In summary, the available evidence is currently insufficient to determine the role of this variant in disease. Therefore, it has been classified as a Variant of Uncertain Significance.

Literature cited by the submitters: PubMed 17576681; PubMed 9536098.